The following is an entry in ClinVar:

ClinVar aggregate classification (germline): Uncertain significance (1 of 4 stars; one submission).

Submission:

Labcorp Genetics (formerly Invitae), Labcorp
Classification: Uncertain significance. Last evaluated: 2021-09-24. Review status: criteria provided, single submitter. Criteria: Invitae Variant Classification Sherloc (09022015). Collection method: clinical testing. Allele origin: germline.
Comment: This variant, c.4189_4191del, results in the deletion of 1 amino acid(s) of the LAMC3 protein (p.Lys1397del), but otherwise preserves the integrity of the reading frame. The frequency data for this variant in the population databases is considered unreliable, as metrics indicate poor data quality at this position in the ExAC database. This variant has not been reported in the literature in individuals affected with LAMC3-related conditions. Experimental studies and prediction algorithms are not available or were not evaluated, and the functional significance of this variant is currently unknown. In summary, the available evidence is currently insufficient to determine the role of this variant in disease. Therefore, it has been classified as a Variant of Uncertain Significance.

NM_006059.4(LAMC3):c.4183AAG[2] (p.Lys1397del)

Gene: LAMC3 (laminin subunit gamma 3; plus strand). Cytogenetic location: 9q34.12.
Variant type: Microsatellite.
Coding change: c.4183AAG[2] on transcript NM_006059.4 (MANE Select); two copies in a row of the 3-base unit AAG starting at c.4183; the reference has three copies in a row; one copy, 3 bases deleted.
Protein change: p.Lys1397del; deletes lysine 1397.
Molecular consequence: inframe deletion.
Genome position (GRCh38, 1-based): chr9:131,085,682-131,085,684, AAG deleted; deleting any 3 consecutive bases within chr9:131,085,676-131,085,684 gives the same sequence; the position shown is the placement nearest the transcript's 3' end. VCF-style (leftmost placement, unchanged base first): chr9-131085675-CAAG-C. GRCh37 (hg19) VCF-style: chr9-133961062-CAAG-C.
Other names: short protein forms K1397del.
Identifiers: ClinVar variation 1404511 (VCV001404511.5), dbSNP rs755505326, ClinGen allele CA5288071.